The following is an entry in ClinVar:

ClinVar aggregate classification (germline): Likely pathogenic (1 of 4 stars; one submission).

Conditions:
Severe combined immunodeficiency disease. Also called: Severe combined immunodeficiency; Severe Combined Immune Deficiency. Identifiers: Orphanet 183660, MedGen C0085110, MeSH D016511, MONDO:0015974, HP:0004430. Inheritance: X-Linked or Autosomal recessive.

Submission:

Women's Health and Genetics/Laboratory Corporation of America, LabCorp
Classification: Likely pathogenic for Severe combined immunodeficiency disease. Last evaluated: 2023-03-15. Review status: criteria provided, single submitter. Criteria: LabCorp Variant Classification Summary - May 2015. Collection method: clinical testing. Allele origin: germline.
Comment: Variant summary: The variant identified by MLPA or other technology involves the deletion of exons 29-39 in the DOCK8 gene. A presumed nomenclature of c.(3530+1_3531-1)_(5079+1_5080-1)del has been designated for the purposes of this classification. This deletion is expected to result in a frameshift in the DOCK8 gene, a known mechanism of disease. The variant was absent in 21694 control chromosomes (gnomAD, Structural Variants dataset). To our knowledge, no occurrence of c.(3530+1_3531-1)_(5079+1_5080-1)del in individuals affected with Severe Combined Immunodeficiency and no experimental evidence demonstrating its impact on protein function have been reported. One submitter has provided a clinical-significance assessment for an exon 29-39 deletion variant with different breakpoints to ClinVar after 2014 without evidence for independent evaluation, and classified the variant as uncertain significance. Based on the evidence outlined above, the variant was classified as likely pathogenic.

NC_000009.11:g.(407070_414781)_(434976_439244)del

Gene: DOCK8 (dedicator of cytokinesis 8; plus strand). Cytogenetic location: 9p24.3.
Variant type: Deletion.
Identifiers: ClinVar variation 2501021 (VCV002501021.1).